The following is an entry in ClinVar:

NM_000238.4(KCNH2):c.1661T>A (p.Met554Lys)

Gene: KCNH2 (potassium voltage-gated channel subfamily H member 2; minus strand). Cytogenetic location: 7q36.1.
Variant type: single nucleotide variant.
Coding change: c.1661T>A on transcript NM_000238.4 (MANE Select); coding-DNA position 1661, T replaced by A.
Protein change: p.Met554Lys; replaces methionine 554 with lysine.
Molecular consequence: missense variant.
Genome position (GRCh38, 1-based): chr7:150,951,732, A>T on the plus strand (T>A on the coding strand, the complement: KCNH2 is on the minus strand). VCF-style: chr7-150951732-A-T. GRCh37 (hg19) VCF-style: chr7-150648820-A-T.
Other names: c.641T>A, p.Met214Lys (NM_001204798.2, NM_172057.3); c.1373T>A, p.Met458Lys (NM_001406753.1, NM_001406756.1); c.1484T>A, p.Met495Lys (NM_001406755.1); c.1361T>A, p.Met454Lys (NM_001406757.1); c.1661T>A, p.Met554Lys (NM_172056.3); short protein forms M214K, M458K, M495K, M454K, M554K.
Identifiers: ClinVar variation 2012941 (VCV002012941.4), dbSNP rs1584854609, ClinGen allele CA369858897.

ClinVar aggregate classification (germline): Uncertain significance (1 of 4 stars; one submission).

Conditions:
Long QT syndrome (LQTS). Identifiers: MedGen C0023976, MeSH D008133, MONDO:0002442. Disease mechanism: loss of function. Inheritance: Various modes of inheritance.

Submission:

Labcorp Genetics (formerly Invitae), Labcorp
Classification: Uncertain significance for Long QT syndrome. Last evaluated: 2022-07-01. Review status: criteria provided, single submitter. Criteria: Invitae Variant Classification Sherloc (09022015). Collection method: clinical testing. Allele origin: germline.
Comment: In summary, the available evidence is currently insufficient to determine the role of this variant in disease. Therefore, it has been classified as a Variant of Uncertain Significance. Algorithms developed to predict the effect of missense changes on protein structure and function (SIFT, PolyPhen-2, Align-GVGD) all suggest that this variant is likely to be disruptive. This variant has not been reported in the literature in individuals affected with KCNH2-related conditions. This variant is not present in population databases (gnomAD no frequency). This sequence change replaces methionine, which is neutral and non-polar, with lysine, which is basic and polar, at codon 554 of the KCNH2 protein (p.Met554Lys).